The following is an entry in ClinVar:

NM_021975.4(RELA):c.1207C>G (p.Leu403Val)

Gene: RELA (RELA proto-oncogene, NF-kB subunit; minus strand). Cytogenetic location: 11q13.1.
Variant type: single nucleotide variant.
Coding change: c.1207C>G on transcript NM_021975.4 (MANE Select); coding-DNA position 1207, C replaced by G.
Protein change: p.Leu403Val; replaces leucine 403 with valine.
Molecular consequence: missense variant. On other transcripts: intron variant (1).
Genome position (GRCh38, 1-based): chr11:65,654,827, G>C on the plus strand (C>G on the coding strand, the complement: RELA is on the minus strand). VCF-style: chr11-65654827-G-C. GRCh37 (hg19) VCF-style: chr11-65422298-G-C.
Other names: c.994C>G, p.Leu332Val (NM_001404659.1); c.889C>G, p.Leu297Val (NM_001404660.1); c.826C>G, p.Leu276Val (NM_001404661.1); c.1114C>G, p.Leu372Val (NM_001404662.1, NM_001404663.1); c.1034-34C>G (NM_001243984.2); c.1198C>G, p.Leu400Val (NM_001145138.2); c.1207C>G, p.Leu403Val (NM_001243985.2); c.1240C>G, p.Leu414Val (NM_001404657.1); and 1 more; short protein forms L276V, L332V, L394V, L414V, L297V, L400V, L372V, L403V.
Identifiers: ClinVar variation 1908601 (VCV001908601.5), dbSNP rs1263055359, ClinGen allele CA381387752.

ClinVar aggregate classification (germline): Uncertain significance (1 of 4 stars; one submission).

Allele frequency attached by ClinVar (database versions not stated): gnomAD exomes below 0.00001; TOPMed 0.00001; gnomAD 0.00002.
gnomAD v4.1: 7 of 1,548,804 alleles (0.00045%); highest among the groups gnomAD compares: African/African-American, 0.0082%; no homozygotes.

Submission:

Labcorp Genetics (formerly Invitae), Labcorp
Classification: Uncertain significance. Last evaluated: 2023-12-18. Review status: criteria provided, single submitter. Criteria: Invitae Variant Classification Sherloc (09022015). Collection method: clinical testing. Allele origin: germline.
Comment: This sequence change replaces leucine, which is neutral and non-polar, with valine, which is neutral and non-polar, at codon 403 of the RELA protein (p.Leu403Val). This variant is not present in population databases (gnomAD no frequency). This variant has not been reported in the literature in individuals affected with RELA-related conditions. ClinVar contains an entry for this variant (Variation ID: 1908601). An algorithm developed to predict the effect of missense changes on protein structure and function (PolyPhen-2) suggests that this variant is likely to be tolerated. In summary, the available evidence is currently insufficient to determine the role of this variant in disease. Therefore, it has been classified as a Variant of Uncertain Significance.